The following is an entry in ClinVar:

NM_002528.7(NTHL1):c.883C>A (p.Gln295Lys)

Gene: NTHL1 (nth like DNA glycosylase 1; minus strand). Cytogenetic location: 16p13.3.
Variant type: single nucleotide variant.
Coding change: c.883C>A on transcript NM_002528.7 (MANE Select); coding-DNA position 883, C replaced by A.
Protein change: p.Gln295Lys; replaces glutamine 295 with lysine.
Molecular consequence: missense variant.
Genome position (GRCh38, 1-based): chr16:2,039,956, G>T on the plus strand (C>A on the coding strand, the complement: NTHL1 is on the minus strand). VCF-style: chr16-2039956-G-T. GRCh37 (hg19) VCF-style: chr16-2089957-G-T.
Other names: c.712C>A, p.Gln238Lys (NM_001318193.2); c.553C>A, p.Gln185Lys (NM_001318194.2); short protein forms Q185K, Q238K, Q295K.
Identifiers: ClinVar variation 1038093 (VCV001038093.11), dbSNP rs2084236498, ClinGen allele CA394287080.

ClinVar aggregate classification (germline): Uncertain significance. Review status: criteria provided, multiple submitters, no conflicts (2 of 4 stars). 3 submissions from 3 submitters: Uncertain significance (3). Last evaluated 2025-10-13.

Conditions:
Hereditary cancer-predisposing syndrome. Also called: Neoplastic Syndromes, Hereditary; Hereditary Cancer Syndrome; Tumor predisposition; Hereditary neoplastic syndrome. Identifiers: Orphanet 140162, MedGen C0027672, MeSH D009386, MONDO:0015356.

Submissions (3):

Labcorp Genetics (formerly Invitae), Labcorp
Classification: Uncertain significance. Last evaluated: 2025-10-13. Review status: criteria provided, single submitter. Criteria: Invitae Variant Classification Sherloc (09022015). Collection method: clinical testing. Allele origin: germline.
Comment: This sequence change replaces glutamine, which is neutral and polar, with lysine, which is basic and polar, at codon 303 of the NTHL1 protein (p.Gln303Lys). This variant is not present in population databases (gnomAD no frequency). This variant has not been reported in the literature in individuals affected with NTHL1-related conditions. ClinVar contains an entry for this variant (Variation ID: 1038093). An algorithm developed to predict the effect of missense changes on protein structure and function outputs the following: PolyPhen-2: "Benign". The lysine amino acid residue is found in multiple mammalian species, which suggests that this missense change does not adversely affect protein function. In summary, the available evidence is currently insufficient to determine the role of this variant in disease. Therefore, it has been classified as a Variant of Uncertain Significance.

Ambry Genetics
Classification: Uncertain significance for Hereditary cancer-predisposing syndrome. Last evaluated: 2023-06-21. Review status: criteria provided, single submitter. Criteria: Ambry Variant Classification Scheme 2023. Collection method: clinical testing. Allele origin: germline.
Comment: The p.Q303K variant (also known as c.907C>A), located in coding exon 6 of the NTHL1 gene, results from a C to A substitution at nucleotide position 907. The glutamine at codon 303 is replaced by lysine, an amino acid with similar properties. This amino acid position is poorly conserved in available vertebrate species. In addition, this alteration is predicted to be tolerated by in silico analysis. Since supporting evidence is limited at this time, the clinical significance of this alteration remains unclear.

GeneDx
Classification: Uncertain significance. Last evaluated: 2022-09-09. Review status: criteria provided, single submitter. Criteria: GeneDx Variant Classification Process June 2021. Collection method: clinical testing. Allele origin: germline. Affected: yes.
Comment: Not observed at significant frequency in large population cohorts (gnomAD); In silico analysis supports that this missense variant does not alter protein structure/function; Has not been previously published as pathogenic or benign to our knowledge